The following is an entry in ClinVar:

ClinVar aggregate classification (germline): Uncertain significance. Review status: criteria provided, multiple submitters, no conflicts (2 of 4 stars). 2 submissions from 2 submitters: Uncertain significance (2). Last evaluated 2022-02-01.

Conditions:
Hereditary cancer-predisposing syndrome. Also called: Tumor predisposition; Hereditary neoplastic syndrome; Hereditary Cancer Syndrome; Neoplastic Syndromes, Hereditary. Identifiers: Orphanet 140162, MedGen C0027672, MeSH D009386, MONDO:0015356.
Bloom syndrome (BLM). Also called: Bloom-Torre-Machacek syndrome. Identifiers: Orphanet 125, MedGen C0005859, MONDO:0008876, OMIM 210900.

Submissions (2):

Ambry Genetics
Classification: Uncertain significance for Hereditary cancer-predisposing syndrome. Last evaluated: 2022-02-01. Review status: criteria provided, single submitter. Criteria: Ambry Variant Classification Scheme 2023. Collection method: clinical testing. Allele origin: germline.
Comment: The p.T477I variant (also known as c.1430C>T), located in coding exon 6 of the BLM gene, results from a C to T substitution at nucleotide position 1430. The threonine at codon 477 is replaced by isoleucine, an amino acid with similar properties. This amino acid position is conserved. In addition, this alteration is predicted to be tolerated by in silico analysis. Since supporting evidence is limited at this time, the clinical significance of this alteration remains unclear.

Labcorp Genetics (formerly Invitae), Labcorp
Classification: Uncertain significance for Bloom syndrome. Last evaluated: 2018-05-12. Review status: criteria provided, single submitter. Criteria: Invitae Variant Classification Sherloc (09022015). Collection method: clinical testing. Allele origin: germline.
Comment: In summary, the available evidence is currently insufficient to determine the role of this variant in disease. Therefore, it has been classified as a Variant of Uncertain Significance. Algorithms developed to predict the effect of missense changes on protein structure and function (SIFT, PolyPhen-2, Align-GVGD) all suggest that this variant is likely to be tolerated, but these predictions have not been confirmed by published functional studies and their clinical significance is uncertain. This variant has not been reported in the literature in individuals with BLM-related disease. This variant is not present in population databases (ExAC no frequency). This sequence change replaces threonine with isoleucine at codon 477 of the BLM protein (p.Thr477Ile). The threonine residue is weakly conserved and there is a moderate physicochemical difference between threonine and isoleucine.

NM_000057.4(BLM):c.1430C>T (p.Thr477Ile)

Gene: BLM (BLM RecQ like helicase; plus strand). Cytogenetic location: 15q26.1.
Variant type: single nucleotide variant.
Coding change: c.1430C>T on transcript NM_000057.4 (MANE Select); coding-DNA position 1430, C replaced by T.
Protein change: p.Thr477Ile; replaces threonine 477 with isoleucine.
Molecular consequence: missense variant.
Genome position (GRCh38, 1-based): chr15:90,760,803, C>T. VCF-style: chr15-90760803-C-T. GRCh37 (hg19) VCF-style: chr15-91304033-C-T.
Other names: c.1430C>T, p.Thr477Ile (NM_001287246.2, NM_001287247.2); c.305C>T, p.Thr102Ile (NM_001287248.2); short protein forms T477I, T102I.
Identifiers: ClinVar variation 576654 (VCV000576654.11), dbSNP rs1567041041, ClinGen allele CA393843042.